The following continues an entry in ClinVar:

NM_001042492.3(NF1):c.5902C>T (p.Arg1968Ter)

Gene: NF1. ClinVar aggregate classification (germline): Pathogenic. Pathogenic (24). ClinVar aggregate classification (oncogenicity): Likely oncogenic.

Submissions 15 to 28 of 28:

Human Genetics Bochum, Ruhr University Bochum
Classification: Pathogenic for Neurofibromatosis, type 1. Last evaluated: 2021-12-06. Review status: criteria provided, single submitter. Criteria: ACMG Guidelines, 2015. Collection method: clinical testing. Allele origin: germline. Affected: yes.
Comment: ACMG criteria used to clasify this variant: PVS1, PM1, PM2, PS4

Ambry Genetics
Classification: Pathogenic for Cardiovascular phenotype; Hereditary cancer-predisposing syndrome. Last evaluated: 2021-10-14. Review status: criteria provided, single submitter. Criteria: Ambry Variant Classification Scheme 2023. Collection method: clinical testing. Allele origin: germline.
Comment: The c.5839C>T (p.R1947*) alteration, located in exon 39 (coding exon 39) of the NF1 gene, consists of a C to T substitution at nucleotide position 5839. This changes the amino acid from an arginine (R) to a stop codon at amino acid position 1947. This alteration is expected to result in loss of function by premature protein truncation or nonsense-mediated mRNA decay. This variant was not reported in population-based cohorts in the Genome Aggregation Database (gnomAD). This pathogenic mutation (also known as p.R1968* (c.5902C>T) in the NM_001042492 isoform) has been described as a recurring mutation in individuals meeting diagnostic criteria for Neurofibromatosis type 1 (NF1) (Cawthon, 1990; Fahsold, 2000; Ars, 2003; Stewart, 2014; Hutter, 2016). In addition, it is located in a mutational hotspot of CpG dinucloetide repeats and methylated site of the gene (Andrews, 1996). Based on the available evidence, this alteration is classified as pathogenic.

Baylor Genetics
Classification: Pathogenic for Juvenile myelomonocytic leukemia. Last evaluated: 2021-09-03. Review status: criteria provided, single submitter. Criteria: ACMG Guidelines, 2015. Collection method: clinical testing. Allele origin: unknown.

Genome Diagnostics Laboratory, The Hospital for Sick Children
Classification: Pathogenic for Neurofibromatosis, type 1. Last evaluated: 2020-10-26. Review status: criteria provided, single submitter. Criteria: ACMG Guidelines, 2015. Collection method: clinical testing. Allele origin: germline. Affected: yes.

Medical Genetics, University of Parma
Classification: Pathogenic for Neurofibromatosis, type 1. Last evaluated: 2019-12-20. Review status: criteria provided, single submitter. Criteria: ACMG Guidelines, 2015. Collection method: clinical testing. Allele origin: germline. Affected: yes.

The Laboratory of Genetics and Metabolism, Hunan Children’s Hospital
Classification: Pathogenic for Neurofibromatosis, type 1; Tibial pseudoarthrosis. Last evaluated: 2018-11-10. Review status: criteria provided, single submitter. Criteria: ACMG Guidelines, 2015. Collection method: research. Allele origin: de novo. Affected: yes. Observed: 1 variant allele.

Fulgent Genetics
Classification: Pathogenic for Neurofibromatosis, type 1; Neurofibromatosis, familial spinal; Café-au-lait macules with pulmonary stenosis; Neurofibromatosis-Noonan syndrome; Juvenile myelomonocytic leukemia. Last evaluated: 2018-10-31. Review status: criteria provided, single submitter. Criteria: ACMG Guidelines, 2015. Collection method: clinical testing. Allele origin: unknown.

Athena Diagnostics
Classification: Pathogenic. Last evaluated: 2018-02-07. Review status: criteria provided, single submitter. Criteria: Athena Diagnostics Criteria. Collection method: clinical testing. Allele origin: germline.

Center of Genomic medicine, Geneva, University Hospital of Geneva
Classification: Pathogenic for Neurofibromatosis, type 1. Last evaluated: 2017-08-10. Review status: criteria provided, single submitter. Criteria: ACMG Guidelines, 2015. Collection method: clinical testing. Allele origin: inherited. Affected: yes.

Ambry Genetics
Classification: Pathogenic for Hereditary cancer-predisposing syndrome. Last evaluated: 2014-11-04. Review status: criteria provided, single submitter. Criteria: Ambry Autosomal Dominant and X-Linked criteria (10/2015). Collection method: clinical testing. Allele origin: germline. Observed: 1 variant allele.
Comment: The p.R1968* pathogenic mutation (also known as c.5902C>T) located in coding exon 40 of the NF1 gene, results from a C to T substitution at nucleotide position 5902. This changes the amino acid from an arginine to a stop codon within coding exon 40. This pathogenic mutation has been described as a recurring mutation in individuals with neurofibromatosis type 1 (Ars E et al. J. Med. Genet. 2003; 40:e82, Fahsold R et al. Am. J. Hum. Genet. 2000; 66:790-818). In addtition, it is located in a mutational hotspot of CpG dinucloetide repeats and methylated site of the gene (Andrews JD et al. Hum. Mol. Genet. 1996, 5:503-7). In addition to the clinical data presented in the literature, since premature stop codons are typically deleterious in nature, this alteration is interpreted as a disease-causing mutation (ACMG Recommendations for Standards for Interpretation and Reporting of Sequence Variations. Revision 2007. Genet Med. 2008;10:294). This pathogenic mutation is also known as p.R1947* (c.5839C>T) in the literature.

Juno Genomics, Hangzhou Juno Genomics, Inc
Classification: Pathogenic for Neurofibromatosis, type 1. Review status: criteria provided, single submitter. Criteria: ACMG Guidelines, 2015. Collection method: clinical testing. Allele origin: germline. Affected: yes.
Comment: Absent from controls (or at extremely low frequency if recessive) in Genome Aggregation Database, Exome Sequencing Project, 1000 Genomes Project, or Exome Aggregation Consortium.;Null variant in a gene where loss of function (LOF) is a known mechanism of disease.;The prevalence of the variant in affected individuals is significantly increased compared to the prevalence in controls.;Patient's phenotype or family history is highly specific for a disease with a single genetic etiology.

Diagnostics Centre, Carl Von Ossietzky University Oldenburg
Classification: Pathogenic for Neurofibromatosis-Noonan syndrome. Last evaluated: 2023-10-23. Review status: no assertion criteria provided. Collection method: clinical testing. Allele origin: germline. Affected: yes. Observed: 1 variant allele. Not counted in ClinVar's aggregate classification.
Comment: The variant NF1:c.5839C>T, p.(Arg1968*), which is located in the coding exon 40 of the NF1 gene, results from a cytosine-to-thymine substitution at nucleotide position c.5839. The arginine at protein position 1968 is replaced by a stop codon at the translational level. The variant affects and exon (40/58) that is present in biologically relevant transcripts and is predicted to cause protein truncation/absent due to non-sense mediated decay.The variant is classified as rare in the overall population (allele frequency= 0.000001859 in gnomAD v4.1.0). The variant has been consistenly classified as Pathogenic on 17 entries in ClinVar (ClinVarID: 343). In several publications, the variant has been reported as causative for neurofibromatosis (PMID: 2114220, 7649559, 12807981,10076878). Similar to previous report, the variant was detected de novo. In summary, the variant is classified as Pathogenic.

Clinical Molecular Genetics Laboratory, Johns Hopkins All Children's Hospital
Classification: Pathogenic for Neurofibromatosis, type 1. Last evaluated: 2017-03-03. Review status: no assertion criteria provided. Collection method: clinical testing. Allele origin: germline. Affected: yes. Not counted in ClinVar's aggregate classification.

OMIM
Classification: Pathogenic for NEUROFIBROMATOSIS, TYPE I. Last evaluated: 2000-01-01. Review status: no assertion criteria provided. Collection method: literature only. Allele origin: germline. Not counted in ClinVar's aggregate classification.

Literature cited by the submitters: PubMed 10712197 (cited by Labcorp Genetics (formerly Invitae), Labcorp and Ambry Genetics); PubMed 23913538 (cited by Labcorp Genetics (formerly Invitae), Labcorp); PubMed 2114220 (cited by 6 submitters); PubMed 7649559 (cited by 5 submitters); PubMed 7903661 (cited by 4 submitters); PubMed 8069310 (cited by 3 submitters); PubMed 8385067 (cited by Labcorp Genetics (formerly Invitae), Labcorp and OMIM); PubMed 10076878 (cited by 3 submitters); PubMed 12807981 (cited by 3 submitters); PubMed 10721668 (cited by Dasa and OMIM); PubMed 31533797 (cited by The Laboratory of Genetics and Metabolism, Hunan Children’s Hospital); PubMed 1757093 (cited by Athena Diagnostics and OMIM); PubMed 24232412 (cited by Athena Diagnostics); PubMed 8845843 (cited by Ambry Genetics); PubMed 1783401 (cited by OMIM); Cawthon, R. M., Viskochil, D., O'Connell, P., Buchberg, A., Andersen, L., Wallace, M., Marchuk, D., Stevens, J., Culver, M., Xu, G., Collins, F. S., Jenkins, N., Copeland, N., White, R. Identification and characterization of several genes between or nearby neurofibromatosis type I translocation breakpoint. (Abstract) Am. J. Hum. Genet. 47 (suppl.): A109, 1990. (cited by OMIM); PubMed 7874161 (cited by OMIM).